The following is an entry in ClinVar:

ClinVar aggregate classification (germline): Pathogenic. Review status: criteria provided, multiple submitters, no conflicts (2 of 4 stars). 3 submissions from 3 submitters: Pathogenic (3). Last evaluated 2025-09-22.

Conditions:
Bloom syndrome (BLM). Also called: Bloom-Torre-Machacek syndrome. Identifiers: Orphanet 125, MedGen C0005859, MONDO:0008876, OMIM 210900.
Hereditary cancer-predisposing syndrome. Also called: Neoplastic Syndromes, Hereditary; Tumor predisposition; Hereditary Cancer Syndrome; Hereditary neoplastic syndrome. Identifiers: Orphanet 140162, MedGen C0027672, MeSH D009386, MONDO:0015356.

Submissions (3):

Myriad Genetics, Inc.
Classification: Pathogenic for Bloom syndrome. Last evaluated: 2025-09-22. Review status: criteria provided, single submitter. Criteria: Myriad Autosomal Dominant, Autosomal Recessive and X-Linked Classification Criteria (2023). Collection method: clinical testing. Allele origin: unknown.
Comment: NM_000057.2(BLM):c.839_888del50(L280*) is a frameshift variant classified as pathogenic in the context of Bloom syndrome. L280* has not been observed in cases with relevant disease. Relevant functional assessments of this variant are not available in the literature. L280* has not been observed in referenced population frequency databases. In summary, NM_000057.2(BLM):c.839_888del50(L280*) is a frameshift variant in a gene where loss of function is a known mechanism of disease and is predicted to disrupt protein function. Please note: this variant was assessed in the context of healthy population screening.

Labcorp Genetics (formerly Invitae), Labcorp
Classification: Pathogenic for Bloom syndrome. Last evaluated: 2024-03-09. Review status: criteria provided, single submitter. Criteria: Invitae Variant Classification Sherloc (09022015). Collection method: clinical testing. Allele origin: germline.
Comment: This sequence change creates a premature translational stop signal (p.Leu280*) in the BLM gene. It is expected to result in an absent or disrupted protein product. Loss-of-function variants in BLM are known to be pathogenic (PMID: 17407155). This variant is not present in population databases (gnomAD no frequency). This variant has not been reported in the literature in individuals affected with BLM-related conditions. ClinVar contains an entry for this variant (Variation ID: 576209). For these reasons, this variant has been classified as Pathogenic.

Ambry Genetics
Classification: Pathogenic for Hereditary cancer-predisposing syndrome. Last evaluated: 2021-09-03. Review status: criteria provided, single submitter. Criteria: Ambry Variant Classification Scheme 2023. Collection method: clinical testing. Allele origin: germline.
Comment: The c.839_888del50 pathogenic mutation, located in coding exon 3 of the BLM gene, results from a deletion of 50 nucleotides at nucleotide positions 839 to 888, causing a translational frameshift with a predicted alternate stop codon (p.L280*). This variant is considered to be rare based on population cohorts in the Genome Aggregation Database (gnomAD). This alteration is expected to result in loss of function by premature protein truncation or nonsense-mediated mRNA decay. As such, this alteration is interpreted as a disease-causing mutation.

Literature cited by the submitters: PubMed 17407155 (cited by Labcorp Genetics (formerly Invitae), Labcorp).

NM_000057.4(BLM):c.839_888del (p.Glu279_Leu280insTer)

Gene: BLM (BLM RecQ like helicase; plus strand). Cytogenetic location: 15q26.1.
Variant type: Deletion.
Coding change: c.839_888del on transcript NM_000057.4 (MANE Select); coding-DNA positions 839 to 888, 50 bases deleted.
Protein change: p.Glu279_Leu280insTer.
Molecular consequence: nonsense. On other transcripts: 5 prime UTR variant (1).
Genome position (GRCh38, 1-based): chr15:90,751,826-90,751,875, 50 bases deleted; deleting any 50 consecutive bases within chr15:90,751,824-90,751,875 gives the same sequence; the c. name uses the placement nearest the transcript's 3' end. GRCh37 (hg19): chr15:91,295,056-91,295,105.
Other names: c.839_888del, p.Glu279_Leu280insTer (NM_001287246.2, NM_001287247.2); c.-453_-404del (NM_001287248.2).
Identifiers: ClinVar variation 576209 (VCV000576209.10), dbSNP rs1567036579, ClinGen allele CA891844123.